The following is an entry in ClinVar:

NM_000350.3(ABCA4):c.2362G>A (p.Ala788Thr)

Gene: ABCA4 (ATP binding cassette subfamily A member 4; minus strand). Cytogenetic location: 1p22.1.
Variant type: single nucleotide variant.
Coding change: c.2362G>A on transcript NM_000350.3 (MANE Select); coding-DNA position 2362, G replaced by A.
Protein change: p.Ala788Thr; replaces alanine 788 with threonine.
Molecular consequence: missense variant.
Genome position (GRCh38, 1-based): chr1:94,056,621, C>T on the plus strand (G>A on the coding strand, the complement: ABCA4 is on the minus strand). VCF-style: chr1-94056621-C-T. GRCh37 (hg19) VCF-style: chr1-94522177-C-T.
Other names: short protein forms A788T.
Identifiers: ClinVar variation 849842 (VCV000849842.12), dbSNP rs149214080, ClinGen allele CA958292.

ClinVar aggregate classification (germline): Conflicting classifications of pathogenicity. Review status: criteria provided, conflicting classifications (1 of 4 stars). 4 submissions from 4 submitters: Uncertain significance (2); Likely benign (2). Last evaluated 2025-09-09.

Conditions:
ABCA4-related disorder. Also called: ABCA4-related condition; ABCA4-related disorders. Identifiers: MedGen CN239167.

Allele frequency attached by ClinVar (database versions not stated): TOPMed 0.00025; ESP Exome Variant Server 0.00031; gnomAD exomes 0.00005 and 0.00010; ExAC 0.00011; gnomAD 0.00020 and 0.00023.
gnomAD v4.1: 100 of 1,613,056 alleles (0.0062%); highest among the groups gnomAD compares: African/African-American, 0.069%; no homozygotes.

Submissions (4):

Labcorp Genetics (formerly Invitae), Labcorp
Classification: Likely benign. Last evaluated: 2025-09-09. Review status: criteria provided, single submitter. Criteria: Invitae Variant Classification Sherloc (09022015). Collection method: clinical testing. Allele origin: germline.

PreventionGenetics, part of Exact Sciences
Classification: Uncertain significance for ABCA4-related condition. Last evaluated: 2025-05-30. Review status: criteria provided, single submitter. Criteria: ACMG Guidelines, 2015. Collection method: clinical testing. Allele origin: germline.
Comment: The ABCA4 c.2362G>A variant is predicted to result in the amino acid substitution p.Ala788Thr. To our knowledge, this variant has not been reported in the literature. This variant is reported in 0.076% of alleles in individuals of African descent in gnomAD. Although we suspect that this variant may be benign, at this time, the clinical significance of this variant is uncertain due to the absence of conclusive functional and genetic evidence.

Blueprint Genetics
Classification: Uncertain significance. Last evaluated: 2021-12-31. Review status: criteria provided, single submitter. Criteria: ACMG Guidelines, 2015. Collection method: clinical testing. Allele origin: germline.

Breakthrough Genomics
Classification: Likely benign. Review status: criteria provided, single submitter. Criteria: ACMG Guidelines, 2015. Collection method: not provided. Allele origin: germline. Inheritance: Autosomal recessive inheritance. Affected: yes.